The following is an entry in ClinVar:

ClinVar aggregate classification (germline): Pathogenic/Likely pathogenic. Review status: criteria provided, multiple submitters, no conflicts (2 of 4 stars). 2 submissions from 2 submitters: Pathogenic (1); Likely pathogenic (1). Last evaluated 2025-07-25.

Conditions:
Joubert syndrome 20 (JBTS20). Identifiers: Orphanet 475, MedGen C3554235, MONDO:0013994, OMIM 614970.
Meckel syndrome, type 11 (MKS11). Identifiers: Orphanet 564, MedGen C3809352, MONDO:0014164, OMIM 615397.

Submissions (2):

Mayo Clinic Laboratories, Mayo Clinic
Classification: Likely pathogenic. Last evaluated: 2025-07-25. Review status: criteria provided, single submitter. Criteria: ACMG Guidelines, 2015. Collection method: clinical testing. Allele origin: germline. Observed: 1 variant allele.
Comment: PM2_supporting, PVS1

Labcorp Genetics (formerly Invitae), Labcorp
Classification: Pathogenic for Joubert syndrome 20; Meckel syndrome, type 11. Last evaluated: 2022-09-05. Review status: criteria provided, single submitter. Criteria: Invitae Variant Classification Sherloc (09022015). Collection method: clinical testing. Allele origin: germline.
Comment: For these reasons, this variant has been classified as Pathogenic. This variant has not been reported in the literature in individuals affected with TMEM231-related conditions. This variant is not present in population databases (gnomAD no frequency). This sequence change creates a premature translational stop signal (p.Arg82Leufs*8) in the TMEM231 gene. It is expected to result in an absent or disrupted protein product. Loss-of-function variants in TMEM231 are known to be pathogenic (PMID: 23012439, 23349226).

Literature cited by the submitters: PubMed 23012439 (cited by Labcorp Genetics (formerly Invitae), Labcorp); PubMed 23349226 (cited by Labcorp Genetics (formerly Invitae), Labcorp).

NM_001077418.3(TMEM231):c.139+39_139+40del

Gene: TMEM231 (transmembrane protein 231; minus strand). Cytogenetic location: 16q23.1.
Variant type: Deletion.
Coding change: c.139+39_139+40del on transcript NM_001077418.3 (MANE Select); bases 39 to 40 of the intron after coding-DNA position 139, 2 bases deleted (GG; older notation c.139+39_139+40delGG).
Molecular consequence: intron variant. On other transcripts: frameshift variant (1).
Genome position (GRCh38, 1-based): chr16:75,556,031-75,556,032, CC deleted on the plus strand (GG on the coding strand, the reverse complement: TMEM231 is on the minus strand); deleting any 2 consecutive bases within chr16:75,556,031-75,556,033 gives the same sequence; the c. name uses the placement nearest the transcript's 3' end. VCF-style (leftmost placement, unchanged base first): chr16-75556030-GCC-G. GRCh37 (hg19) VCF-style: chr16-75589928-GCC-G.
Other names: p.Arg82Leufs*8; c.240_241del, p.Arg82fs (NM_001077416.2); short protein forms R82fs.
Identifiers: ClinVar variation 2165068 (VCV002165068.5), dbSNP rs2080807114, ClinGen allele CA2233424417.